The following is an entry in ClinVar:

NM_004944.4(DNASE1L3):c.910C>T (p.Arg304Cys)

Gene: DNASE1L3 (deoxyribonuclease 1L3; minus strand). Cytogenetic location: 3p14.3.
Variant type: single nucleotide variant.
Coding change: c.910C>T on transcript NM_004944.4 (MANE Select); coding-DNA position 910, C replaced by T.
Protein change: p.Arg304Cys; replaces arginine 304 with cysteine.
Molecular consequence: missense variant.
Genome position (GRCh38, 1-based): chr3:58,192,695, G>A on the plus strand (C>T on the coding strand, the complement: DNASE1L3 is on the minus strand). VCF-style: chr3-58192695-G-A. GRCh37 (hg19) VCF-style: chr3-58178422-G-A.
Other names: c.820C>T, p.Arg274Cys (NM_001256560.2); short protein forms R274C, R304C.
Identifiers: ClinVar variation 2181609 (VCV002181609.4), dbSNP rs780196315, ClinGen allele CA2469808.

ClinVar aggregate classification (germline): Uncertain significance. Review status: criteria provided, multiple submitters, no conflicts (2 of 4 stars). 2 submissions from 2 submitters: Uncertain significance (2). Last evaluated 2024-03-31.

Conditions:
Autosomal systemic lupus erythematosus type 16. Also called: Systemic lupus erythematosus 16. Identifiers: Orphanet 300345, MedGen C3280742, MONDO:0013743, OMIM 614420.

Allele frequency attached by ClinVar (database versions not stated): gnomAD 0.00001; gnomAD exomes 0.00002; TOPMed 0.00002; ExAC 0.00006.

Submissions (2):

Fulgent Genetics
Classification: Uncertain significance for Autosomal systemic lupus erythematosus type 16. Last evaluated: 2024-03-31. Review status: criteria provided, single submitter. Criteria: ACMG Guidelines, 2015. Collection method: clinical testing. Allele origin: germline.

Labcorp Genetics (formerly Invitae), Labcorp
Classification: Uncertain significance. Last evaluated: 2024-02-23. Review status: criteria provided, single submitter. Criteria: Invitae Variant Classification Sherloc (09022015). Collection method: clinical testing. Allele origin: germline.
Comment: This sequence change replaces arginine, which is basic and polar, with cysteine, which is neutral and slightly polar, at codon 304 of the DNASE1L3 protein (p.Arg304Cys). This variant is present in population databases (rs780196315, gnomAD 0.007%). This variant has not been reported in the literature in individuals affected with DNASE1L3-related conditions. ClinVar contains an entry for this variant (Variation ID: 2181609). An algorithm developed to predict the effect of missense changes on protein structure and function (PolyPhen-2) suggests that this variant is likely to be tolerated. In summary, the available evidence is currently insufficient to determine the role of this variant in disease. Therefore, it has been classified as a Variant of Uncertain Significance.